The following is an entry in ClinVar:

NM_000090.4(COL3A1):c.1392T>C (p.Asp464=)

Gene: COL3A1 (collagen type III alpha 1 chain; plus strand). Cytogenetic location: 2q32.2.
Variant type: single nucleotide variant.
Coding change: c.1392T>C on transcript NM_000090.4 (MANE Select); coding-DNA position 1392, T replaced by C.
Protein change: p.Asp464=; no amino-acid change (aspartic acid 464 retained).
Molecular consequence: synonymous variant.
Genome position (GRCh38, 1-based): chr2:188,994,768, T>C. VCF-style: chr2-188994768-T-C. GRCh37 (hg19) VCF-style: chr2-189859494-T-C.
Identifiers: ClinVar variation 3058491 (VCV003058491.2), dbSNP rs1688267189, ClinGen allele CA430309590.

ClinVar aggregate classification (germline): Likely benign (0 of 4 stars; one submission).

Conditions:
COL3A1-related disorder. Also called: COL3A1-related condition.

Submission:

PreventionGenetics, part of Exact Sciences
Classification: Likely benign for COL3A1-related condition. Last evaluated: 2022-01-24. Review status: no assertion criteria provided. Collection method: clinical testing. Allele origin: germline.
Comment: This variant is classified as likely benign based on ACMG/AMP sequence variant interpretation guidelines (Richards et al. 2015 PMID: 25741868, with internal and published modifications).